The following is an entry in ClinVar:

ClinVar aggregate classification (germline): Uncertain significance (1 of 4 stars; one submission).

Conditions:
Inborn genetic diseases. Identifiers: MedGen C0950123, MeSH D030342.

Submission:

Ambry Genetics
Classification: Uncertain significance for Inborn genetic diseases. Last evaluated: 2024-05-30. Review status: criteria provided, single submitter. Criteria: Ambry Variant Classification Scheme 2023. Collection method: clinical testing. Allele origin: germline.
Comment: The p.T2429S variant (also known as c.7286C>G), located in coding exon 49 of the LRRK2 gene, results from a C to G substitution at nucleotide position 7286. The threonine at codon 2429 is replaced by serine, an amino acid with similar properties. This amino acid position is conserved. In addition, the in silico prediction for this alteration is inconclusive. Based on the available evidence, the clinical significance of this variant remains unclear.

NM_198578.4(LRRK2):c.7286C>G (p.Thr2429Ser)

Gene: LRRK2 (leucine rich repeat kinase 2; plus strand). Cytogenetic location: 12q12.
Variant type: single nucleotide variant.
Coding change: c.7286C>G on transcript NM_198578.4 (MANE Select); coding-DNA position 7286, C replaced by G.
Protein change: p.Thr2429Ser; replaces threonine 2429 with serine.
Molecular consequence: missense variant.
Genome position (GRCh38, 1-based): chr12:40,364,946, C>G. VCF-style: chr12-40364946-C-G. GRCh37 (hg19) VCF-style: chr12-40758748-C-G.
Other names: short protein forms T2429S.
Identifiers: ClinVar variation 3292045 (VCV003292045.1).